The following is an entry in ClinVar:

NM_022166.4(XYLT1):c.1588-93A>G

Genes: XYLT1 (xylosyltransferase 1; minus strand), LOC102723692 (uncharacterized LOC102723692; plus strand). Cytogenetic location: 16p12.3.
Variant type: single nucleotide variant.
Coding change: c.1588-93A>G on transcript NM_022166.4 (MANE Select); 93 bases into the intron before coding-DNA position 1588, A replaced by G.
Molecular consequence: intron variant. On other transcripts: non-coding transcript variant (1).
Genome position (GRCh38, 1-based): chr16:17,138,624, T>C on the plus strand (A>G on the coding strand, the complement: XYLT1 is on the minus strand). VCF-style: chr16-17138624-T-C. GRCh37 (hg19) VCF-style: chr16-17232481-T-C.
Identifiers: ClinVar variation 1706931 (VCV001706931.2), dbSNP rs78489178, ClinGen allele CA278644776.

ClinVar aggregate classification (germline): Likely benign (1 of 4 stars; one submission).

Allele frequency attached by ClinVar (database versions not stated): TOPMed 0.00515; gnomAD 0.00635; gnomAD exomes 0.00690; 1000 Genomes Project 30x 0.02467; 1000 Genomes Project 0.02716.
gnomAD v4.1: 9,973 of 1,445,222 alleles (0.69%); highest among the groups gnomAD compares: East Asian, 8.5%; 353 homozygotes.

Submission:

GeneDx
Classification: Likely benign. Last evaluated: 2022-01-13. Review status: criteria provided, single submitter. Criteria: GeneDx Variant Classification Process June 2021. Collection method: clinical testing. Allele origin: germline. Affected: yes.
Comment: See Variant Classification Assertion Criteria.